The following is an entry in ClinVar:

ClinVar aggregate classification (germline): Likely pathogenic (1 of 4 stars; one submission).

Submission:

GeneDx
Classification: Likely pathogenic. Last evaluated: 2025-08-14. Review status: criteria provided, single submitter. Criteria: GeneDx Variant Classification Process June 2021. Collection method: clinical testing. Allele origin: germline.
Comment: In-frame deletion of 2 amino acids in a non-repeat region; Not observed at significant frequency in large population cohorts (gnomAD); In silico analysis suggests that this variant does not alter protein structure/function; Reported using an alternate transcript of the gene; This variant is associated with the following publications: (PMID: 35192225, 12754701, 36964972, 36980992, 37895316)

NM_004531.5(MOCS2):c.471_477delinsG (p.Leu158_Lys159del)

Gene: MOCS2 (molybdenum cofactor synthesis 2; minus strand). Cytogenetic location: 5q11.2.
Variant type: Indel.
Coding change: c.471_477delinsG on transcript NM_004531.5 (MANE Select); coding-DNA positions 471 to 477, TTTAAAA replaced by G.
Protein change: p.Leu158_Lys159del.
Molecular consequence: 3 prime UTR variant (on NM_176806.4).
Genome position (GRCh38, 1-based): chr5:53,100,435-53,100,441, TTTTAAA replaced by C on the plus strand (TTTAAAA replaced by G on the coding strand, the reverse complement: MOCS2 is on the minus strand). VCF-style: chr5-53100435-TTTTAAA-C. GRCh37 (hg19) VCF-style: chr5-52396265-TTTTAAA-C.
Other names: c.*391_*397delinsG (NM_176806.4).
Identifiers: ClinVar variation 3774925 (VCV003774925.2).
Genomic context (GRCh38, chr5:53,100,435, plus strand): 5'-GTCCACATGCTAAAATGTGTTATTTTCTTAACTTACCTTTTTCCATATGGGCACCTTGGC[TTTTAAA>C]GTATCAATGGCATAGCTCACAGCTTCAAGAGATGCAGCTCTGTGGGCTGAGGACACAGCA-3'